The following is an entry in ClinVar:

ClinVar aggregate classification (germline): Conflicting classifications of pathogenicity. Review status: criteria provided, conflicting classifications (1 of 4 stars). 2 submissions from 2 submitters: Uncertain significance (1); Likely benign (1). Last evaluated 2024-07-06.

Conditions:
Inborn genetic diseases. Identifiers: MedGen C0950123, MeSH D030342.

Allele frequency attached by ClinVar (database versions not stated): ExAC 0.00002; gnomAD exomes 0.00004; TOPMed 0.00005; gnomAD 0.00006.
gnomAD v4.1: 76 of 1,613,522 alleles (0.0047%); highest among the groups gnomAD compares: African/African-American, 0.012%; no homozygotes.

Submissions (2):

Ambry Genetics
Classification: Likely benign for Inborn genetic diseases. Last evaluated: 2024-07-06. Review status: criteria provided, single submitter. Criteria: Ambry Variant Classification Scheme 2023. Collection method: clinical testing. Allele origin: germline.

Labcorp Genetics (formerly Invitae), Labcorp
Classification: Uncertain significance. Last evaluated: 2022-06-20. Review status: criteria provided, single submitter. Criteria: Invitae Variant Classification Sherloc (09022015). Collection method: clinical testing. Allele origin: germline.
Comment: This sequence change replaces arginine, which is basic and polar, with glutamine, which is neutral and polar, at codon 178 of the MGME1 protein (p.Arg178Gln). This variant is present in population databases (rs767851553, gnomAD 0.008%). This variant has not been reported in the literature in individuals affected with MGME1-related conditions. Algorithms developed to predict the effect of missense changes on protein structure and function output the following: SIFT: "Tolerated"; PolyPhen-2: "Benign"; Align-GVGD: "Class C0". The glutamine amino acid residue is found in multiple mammalian species, which suggests that this missense change does not adversely affect protein function. In summary, the available evidence is currently insufficient to determine the role of this variant in disease. Therefore, it has been classified as a Variant of Uncertain Significance.

NM_052865.4(MGME1):c.533G>A (p.Arg178Gln)

Gene: MGME1 (mitochondrial genome maintenance exonuclease 1; plus strand). Cytogenetic location: 20p11.23.
Variant type: single nucleotide variant.
Coding change: c.533G>A on transcript NM_052865.4 (MANE Select); coding-DNA position 533, G replaced by A.
Protein change: p.Arg178Gln; replaces arginine 178 with glutamine.
Molecular consequence: missense variant. On other transcripts: intron variant (1).
Genome position (GRCh38, 1-based): chr20:17,975,705, G>A. VCF-style: chr20-17975705-G-A. GRCh37 (hg19) VCF-style: chr20-17956348-G-A.
Other names: c.578G>A, p.Arg193Gln (NM_001310338.2); c.293G>A, p.Arg98Gln (NM_001363738.2); c.511+5335G>A (NM_001310339.2); c.533G>A (NM_052865.2); short protein forms R178Q, R193Q, R98Q.
Identifiers: ClinVar variation 1990815 (VCV001990815.2), dbSNP rs767851553, ClinGen allele CA9774971.